The following is an entry in ClinVar:

NM_001035.3(RYR2):c.7513-147C>T

Gene: RYR2 (ryanodine receptor 2; plus strand). Cytogenetic location: 1q43.
Variant type: single nucleotide variant.
Coding change: c.7513-147C>T on transcript NM_001035.3 (MANE Select); 147 bases into the intron before coding-DNA position 7513, C replaced by T.
Molecular consequence: intron variant.
Genome position (GRCh38, 1-based): chr1:237,649,730, C>T. VCF-style: chr1-237649730-C-T. GRCh37 (hg19) VCF-style: chr1-237813030-C-T.
Identifiers: ClinVar variation 672095 (VCV000672095.1), dbSNP rs487056, ClinGen allele CA39797718.
Genomic context (GRCh38, chr1:237,649,730, plus strand): 5'-CTATTTATGAACAATGGATAGTTGATTGTTTTTAGTGGTAAAAATCATATGAACCCGACA[C>T]TTAAAGATGTAACTAAAGAATACATTTCCATGTGTCATAGTGCTATCATCTTCCGGATAG-3'

ClinVar aggregate classification (germline): Benign (1 of 4 stars; one submission).

Allele frequency attached by ClinVar (database versions not stated): 1000 Genomes Project 30x 0.99813; 1000 Genomes Project 0.99820; gnomAD 0.99940 and 0.99942; TOPMed 0.99942; gnomAD exomes 0.99993.
gnomAD v4.1: 640,608 of 640,748 alleles (100%); highest among the groups gnomAD compares: Middle Eastern, 100%; 320,235 homozygotes.

Submission:

GeneDx
Classification: Benign. Last evaluated: 2018-06-15. Review status: criteria provided, single submitter. Criteria: GeneDx Variant Classification (06012015). Collection method: clinical testing. Allele origin: germline. Affected: yes.
Comment: This variant is considered likely benign or benign based on one or more of the following criteria: it is a conservative change, it occurs at a poorly conserved position in the protein, it is predicted to be benign by multiple in silico algorithms, and/or has population frequency not consistent with disease.